The following is an entry in ClinVar:

ClinVar aggregate classification (germline): Benign/Likely benign. Review status: criteria provided, multiple submitters, no conflicts (2 of 4 stars). 2 submissions from 2 submitters: Benign (1); Likely benign (1). Last evaluated 2024-05-15.

Conditions:
Hereditary cancer-predisposing syndrome. Also called: Neoplastic Syndromes, Hereditary; Tumor predisposition; Hereditary Cancer Syndrome; Hereditary neoplastic syndrome. Identifiers: Orphanet 140162, MedGen C0027672, MeSH D009386, MONDO:0015356.
Familial cancer of breast. Also called: BREAST CANCER, FAMILIAL; Hereditary breast cancer; hereditary breast carcinoma. Identifiers: Orphanet 227535, MedGen C0346153, MONDO:0016419, OMIM 114480. Disease mechanism: loss of function.

Submissions (2):

Myriad Genetics, Inc.
Classification: Benign for Familial cancer of breast. Last evaluated: 2024-05-15. Review status: criteria provided, single submitter. Criteria: Myriad Autosomal Dominant, Autosomal Recessive and X-Linked Classification Criteria (2023). Collection method: clinical testing. Allele origin: unknown.
Comment: This variant is considered benign. This variant is a silent/synonymous amino acid change and it is not expected to impact splicing.

Ambry Genetics
Classification: Likely benign for Hereditary cancer-predisposing syndrome. Last evaluated: 2015-12-22. Review status: criteria provided, single submitter. Criteria: Ambry Variant Classification Scheme 2023. Collection method: clinical testing. Allele origin: germline.

NM_000051.4(ATM):c.3672T>G (p.Leu1224=)

Gene: ATM (ATM serine/threonine kinase; plus strand). Cytogenetic location: 11q22.3.
Variant type: single nucleotide variant.
Coding change: c.3672T>G on transcript NM_000051.4 (MANE Select); coding-DNA position 3672, T replaced by G.
Protein change: p.Leu1224=; no amino-acid change (leucine 1224 retained).
Molecular consequence: synonymous variant.
Genome position (GRCh38, 1-based): chr11:108,282,805, T>G. VCF-style: chr11-108282805-T-G. GRCh37 (hg19) VCF-style: chr11-108153532-T-G.
Other names: c.3672T>G, p.Leu1224= (NM_001351834.2).
Identifiers: ClinVar variation 1733806 (VCV001733806.3), dbSNP rs3205813, ClinGen allele CA476673299.